The following is an entry in ClinVar:

NM_003072.5(SMARCA4):c.1245+6delinsAATCTGGAAA

Gene: SMARCA4 (SWI/SNF related BAF chromatin remodeling complex subunit ATPase 4; plus strand). Cytogenetic location: 19p13.2.
Variant type: Indel.
Coding change: c.1245+6delinsAATCTGGAAA on transcript NM_003072.5 (MANE Select); 6 bases into the intron after coding-DNA position 1245, T replaced by AATCTGGAAA.
Molecular consequence: intron variant.
Genome position (GRCh38, 1-based): chr19:10,989,449, T replaced by AATCTGGAAA. VCF-style: chr19-10989449-T-AATCTGGAAA. GRCh37 (hg19) VCF-style: chr19-11100125-T-AATCTGGAAA.
Other names: c.1245+6delinsAATCTGGAAA (NM_001128844.3, NM_001128849.3, NM_001128847.4 and 5 more transcripts).
Identifiers: ClinVar variation 2045229 (VCV002045229.4), dbSNP rs2514093939, ClinGen allele CA2580096389.

ClinVar aggregate classification (germline): Uncertain significance (1 of 4 stars; one submission).

Conditions:
Rhabdoid tumor predisposition syndrome 2 (RTPS2). Identifiers: Orphanet 231108, Orphanet 69077, MedGen C2750074, MONDO:0013224, OMIM 613325.

Submission:

Labcorp Genetics (formerly Invitae), Labcorp
Classification: Uncertain significance for Rhabdoid tumor predisposition syndrome 2. Last evaluated: 2023-01-16. Review status: criteria provided, single submitter. Criteria: Invitae Variant Classification Sherloc (09022015). Collection method: clinical testing. Allele origin: germline.
Comment: Variants that disrupt the consensus splice site are a relatively common cause of aberrant splicing (PMID: 17576681, 9536098). Experimental studies and prediction algorithms are not available or were not evaluated, and the effect of this variant on mRNA splicing is currently unknown. In summary, the available evidence is currently insufficient to determine the role of this variant in disease. Therefore, it has been classified as a Variant of Uncertain Significance. This variant has not been reported in the literature in individuals affected with SMARCA4-related conditions. Information on the frequency of this variant in the gnomAD database is not available, as this variant may be reported differently in the database. This sequence change falls in intron 7 of the SMARCA4 gene. It does not directly change the encoded amino acid sequence of the SMARCA4 protein. It affects a nucleotide within the consensus splice site.

Literature cited by the submitters: PubMed 17576681; PubMed 9536098.